The following is an entry in ClinVar:

NM_004434.3(EML1):c.841C>A (p.Pro281Thr)

Gene: EML1 (EMAP like 1; plus strand). Cytogenetic location: 14q32.2.
Variant type: single nucleotide variant.
Coding change: c.841C>A on transcript NM_004434.3 (MANE Select); coding-DNA position 841, C replaced by A.
Protein change: p.Pro281Thr; replaces proline 281 with threonine.
Molecular consequence: missense variant.
Genome position (GRCh38, 1-based): chr14:99,898,246, C>A. VCF-style: chr14-99898246-C-A. GRCh37 (hg19) VCF-style: chr14-100364583-C-A.
Other names: c.898C>A, p.Pro300Thr (NM_001008707.2); c.802C>A, p.Pro268Thr (NM_001375411.1); c.841C>A, p.Pro281Thr (NM_001375412.1); short protein forms P268T, P281T, P300T.
Identifiers: ClinVar variation 3359059 (VCV003359059.2).

ClinVar aggregate classification (germline): Uncertain significance (1 of 4 stars; one submission).

Conditions:
Band heterotopia of brain. Also called: Band heterotopia. Identifiers: MedGen C4284594, MONDO:0010873, OMIM 600348.

Submission:

Institute of Human Genetics, University of Leipzig Medical Center
Classification: Uncertain significance for Band heterotopia of brain. Last evaluated: 2024-08-13. Review status: criteria provided, single submitter. Criteria: ACMG Guidelines, 2015. Collection method: clinical testing. Allele origin: unknown. Affected: yes.
Comment: Criteria applied: PM2_SUP